The following is an entry in ClinVar:

ClinVar aggregate classification (germline): Uncertain significance (1 of 4 stars; one submission).

Submission:

Ambry Genetics
Classification: Uncertain significance. Last evaluated: 2025-03-29. Review status: criteria provided, single submitter. Criteria: Ambry Variant Classification Scheme 2023. Collection method: clinical testing. Allele origin: germline.
Comment: The p.F202C variant (also known as c.605T>G), located in coding exon 7 of the FAM175A gene, results from a T to G substitution at nucleotide position 605. The phenylalanine at codon 202 is replaced by cysteine, an amino acid with highly dissimilar properties. This amino acid position is conserved. In addition, this alteration is predicted to be deleterious by in silico analysis. Based on the available evidence, the clinical significance of this variant remains unclear.

NM_139076.3(ABRAXAS1):c.605T>G (p.Phe202Cys)

Gene: ABRAXAS1 (abraxas 1, BRCA1 A complex subunit; minus strand). Cytogenetic location: 4q21.23.
Variant type: single nucleotide variant.
Coding change: c.605T>G on transcript NM_139076.3 (MANE Select); coding-DNA position 605, T replaced by G.
Protein change: p.Phe202Cys; replaces phenylalanine 202 with cysteine.
Molecular consequence: missense variant.
Genome position (GRCh38, 1-based): chr4:83,467,530, A>C on the plus strand (T>G on the coding strand, the complement: ABRAXAS1 is on the minus strand). VCF-style: chr4-83467530-A-C. GRCh37 (hg19) VCF-style: chr4-84388683-A-C.
Other names: c.278T>G, p.Phe93Cys (NM_001345962.2); short protein forms F202C, F93C.
Identifiers: ClinVar variation 3994527 (VCV003994527.1).
Genomic context (GRCh38, chr4:83,467,530, plus strand): 5'-AATGAAGCATACATTTCATTTATCTTATGTACCTCCTTTAAGGATCCATCTTCTTCAAAA[A>C]ATTTAGAGCTGTAAAAAATTACCATTTCCTCAGGCAAATACACAAAACCATTTTAATGAT-3'
Protein context (NP_620775.2, residues 192-212): SRAVQTHSSK[Phe202Cys]FEEDGSLKEV